The following is an entry in ClinVar:

NM_004728.4(DDX21):c.2022T>C (p.Phe674=)

Gene: DDX21 (DExD-box helicase 21; plus strand). Cytogenetic location: 10q22.1.
Variant type: single nucleotide variant.
Coding change: c.2022T>C on transcript NM_004728.4 (MANE Select); coding-DNA position 2022, T replaced by C.
Protein change: p.Phe674=; no amino-acid change (phenylalanine 674 retained).
Molecular consequence: synonymous variant.
Genome position (GRCh38, 1-based): chr10:68,978,961, T>C. VCF-style: chr10-68978961-T-C. GRCh37 (hg19) VCF-style: chr10-70738717-T-C.
Other names: c.1818T>C, p.Phe606= (NM_001256910.2).
Identifiers: ClinVar variation 707856 (VCV000707856.8), dbSNP rs76782700, ClinGen allele CA5529494.

ClinVar aggregate classification (germline): Benign/Likely benign. Review status: criteria provided, multiple submitters, no conflicts (2 of 4 stars). 3 submissions from 3 submitters: Benign (2); Likely benign (1). Last evaluated 2026-03-01.

Allele frequency attached by ClinVar (database versions not stated): gnomAD exomes 0.00023 and 0.00058; ExAC 0.00071; gnomAD 0.00222 and 0.00227; TOPMed 0.00254; ESP Exome Variant Server 0.00284; 1000 Genomes Project 0.00419; 1000 Genomes Project 30x 0.00437.
gnomAD v4.1: 691 of 1,614,150 alleles (0.043%); highest among the groups gnomAD compares: African/African-American, 0.75%; 2 homozygotes.

Submissions (3):

CeGaT Center for Human Genetics Tuebingen
Classification: Likely benign. Last evaluated: 2026-03-01. Review status: criteria provided, single submitter. Criteria: CeGaT Center For Human Genetics Tuebingen Variant Classification Criteria Version 2. Collection method: clinical testing. Allele origin: germline. Affected: yes. Observed: 1 variant allele.
Comment: DDX21: BP4, BP7

Labcorp Genetics (formerly Invitae), Labcorp
Classification: Benign. Last evaluated: 2018-07-04. Review status: criteria provided, single submitter. Criteria: Invitae Variant Classification Sherloc (09022015). Collection method: clinical testing. Allele origin: germline.

Breakthrough Genomics
Classification: Benign. Review status: criteria provided, single submitter. Criteria: ACMG Guidelines, 2015. Collection method: not provided. Allele origin: germline. Inheritance: Unknown mechanism. Affected: yes.